The following is an entry in ClinVar:

NM_005609.4(PYGM):c.1696_1698del (p.Ile566del)

Gene: PYGM (glycogen phosphorylase, muscle associated; minus strand). Cytogenetic location: 11q13.1.
Variant type: Deletion.
Coding change: c.1696_1698del on transcript NM_005609.4 (MANE Select); coding-DNA positions 1696 to 1698, 3 bases deleted (ATC; older notation c.1696_1698delATC).
Protein change: p.Ile566del; deletes isoleucine 566.
Molecular consequence: inframe deletion.
Genome position (GRCh38, 1-based): chr11:64,751,994-64,751,996, GAT deleted on the plus strand (ATC on the coding strand, the reverse complement: PYGM is on the minus strand); deleting any 3 consecutive bases within chr11:64,751,994-64,751,997 gives the same sequence; the c. name uses the placement nearest the transcript's 3' end. VCF-style (leftmost placement, unchanged base first): chr11-64751993-GGAT-G. GRCh37 (hg19) VCF-style: chr11-64519465-GGAT-G.
Other names: c.1432_1434del, p.Ile478del (NM_001164716.1); short protein forms I478del, I566del.
Identifiers: ClinVar variation 5003866 (VCV005003866.1).

ClinVar aggregate classification (germline): Uncertain significance (1 of 4 stars; one submission).

Conditions:
Glycogen storage disease, type V (GSD5). Also called: PYGM DEFICIENCY; McArdle type glycogen storage disease; MCARDLE DISEASE; MUSCLE GLYCOGEN PHOSPHORYLASE DEFICIENCY; MYOPHOSPHORYLASE DEFICIENCY. Identifiers: Orphanet 368, MedGen C0017924, MONDO:0009293, OMIM 232600.

Submission:

Myriad Genetics, Inc.
Classification: Uncertain significance for Glycogen storage disease, type V. Last evaluated: 2026-03-27. Review status: criteria provided, single submitter. Criteria: Myriad Autosomal Dominant, Autosomal Recessive and X-Linked Classification Criteria (2023). Collection method: clinical testing. Allele origin: unknown.
Comment: NM_005609.2(PYGM):c.1696_1698delATC(I566del) is an in-frame deletion classified as a variant of uncertain significance in the context of glycogen storage disease, PYGM-related. I566del has not been observed in cases with relevant disease. Relevant functional assessments of this variant are not available in the literature. I566del has not been observed in referenced population frequency databases. In summary, there is insufficient evidence to classify NM_005609.2(PYGM):c.1696_1698delATC(I566del) as pathogenic or benign. Please note: this variant was assessed in the context of healthy population screening.